The following is an entry in ClinVar:

NM_001195.5(BFSP1):c.1511_1512del (p.Val504fs)

Gene: BFSP1 (beaded filament structural protein 1; minus strand). Cytogenetic location: 20p12.1.
Variant type: Microsatellite.
Coding change: c.1511_1512del on transcript NM_001195.5 (MANE Select); coding-DNA positions 1511 to 1512, 2 bases deleted (TG; older notation c.1511_1512delTG).
Protein change: p.Val504fs; shifts the reading frame from valine 504.
Molecular consequence: frameshift variant.
Genome position (GRCh38, 1-based): chr20:17,494,560-17,494,561, CA deleted on the plus strand (TG on the coding strand, the reverse complement: BFSP1 is on the minus strand); deleting any 2 consecutive bases within chr20:17,494,560-17,494,563 gives the same sequence; the c. name uses the placement nearest the transcript's 3' end. VCF-style (leftmost placement, unchanged base first): chr20-17494559-GCA-G. GRCh37 (hg19) VCF-style: chr20-17475204-GCA-G.
Other names: c.1094_1095del, p.Val365fs (NM_001278606.2, NM_001278608.2); c.1178_1179del, p.Val393fs (NM_001278607.2); c.1136_1137del, p.Val379fs (NM_001161705.2); short protein forms V379fs, V365fs, V393fs, V504fs.
Identifiers: ClinVar variation 4872245 (VCV004872245.2), dbSNP rs759737972.
Genomic context (GRCh38, chr20:17,494,559, plus strand): 5'-GCCCATTCTCTAAAGGGGGCTTGGGTGACTCAGGAGAGGGCTCCACCTGGCCGTCATAAA[GCA>G]CAGAGTCTTCCGCAACAGAAACAGCCACCCCACCTTTAGCTGTGATGGAGGAGACATAGA-3'

ClinVar aggregate classification (germline): Uncertain significance (1 of 4 stars; one submission).

Submission:

CeGaT Center for Human Genetics Tuebingen
Classification: Uncertain significance. Last evaluated: 2026-04-01. Review status: criteria provided, single submitter. Criteria: CeGaT Center For Human Genetics Tuebingen Variant Classification Criteria Version 2. Collection method: clinical testing. Allele origin: germline. Affected: yes. Observed: 1 variant allele.
Comment: BFSP1: PM2, PVS1:Moderate